The following is an entry in ClinVar:

NM_000404.4(GLB1):c.1951G>A (p.Asp651Asn)

Gene: GLB1 (galactosidase beta 1; minus strand). Cytogenetic location: 3p22.3.
Variant type: single nucleotide variant.
Coding change: c.1951G>A on transcript NM_000404.4 (MANE Select); coding-DNA position 1951, G replaced by A.
Protein change: p.Asp651Asn; replaces aspartic acid 651 with asparagine.
Molecular consequence: missense variant. On other transcripts: intron variant (1).
Genome position (GRCh38, 1-based): chr3:32,997,128, C>T on the plus strand (G>A on the coding strand, the complement: GLB1 is on the minus strand). VCF-style: chr3-32997128-C-T. GRCh37 (hg19) VCF-style: chr3-33038620-C-T.
Other names: p.Asp651Asn; c.1861G>A, p.Asp621Asn (NM_001079811.3); c.1558G>A, p.Asp520Asn (NM_001135602.3); c.2095G>A, p.Asp699Asn (NM_001317040.2); c.1734+16928G>A (NM_001393580.1); short protein forms D520N, D699N, D651N, D621N.
Identifiers: ClinVar variation 1973950 (VCV001973950.3), dbSNP rs774771223, ClinGen allele CA2299269.
Genomic context (GRCh38, chr3:32,997,128, plus strand): 5'-CTTTGTTTTTTTGCGGGGGTGGGGGCATGAGTCTTTTTTCAACAGGTTTGGAGGGATGAT[C>T]GTAGGTCACAGATGAGCCAATAACTGGCCTGTCCACGAACGTCACAGCACATAGTTCTGG-3'
Protein context (NP_000395.3, residues 641-661): RPVIGSSVTY[Asp651Asn]HPSKPVEKRL

ClinVar aggregate classification (germline): Uncertain significance. Review status: criteria provided, multiple submitters, no conflicts (2 of 4 stars). 2 submissions from 2 submitters: Uncertain significance (2). Last evaluated 2024-03-20.

Conditions:
GM1 gangliosidosis. Identifiers: Orphanet 354, MedGen C0085131, MONDO:0018149.
Mucopolysaccharidosis, MPS-IV-B (MPS4B). Also called: Mucopolysaccharidosis type IV B; Mucopolysaccharidosis type 4B; MORQUIO SYNDROME B; Mucopolysaccharidosis type IVB (Morquio); MPS IVB; Mucopolysaccharidosis Type IVB. Identifiers: Orphanet 309310, Orphanet 582, MedGen C0086652, MONDO:0009660, OMIM 253010.

Allele frequency attached by ClinVar (database versions not stated): gnomAD 0.00001; TOPMed 0.00001.
gnomAD v4.1: 9 of 1,613,938 alleles (0.00056%); highest among the groups gnomAD compares: Admixed American, 0.0017%; no homozygotes.

Submissions (2):

Mayo Clinic Laboratories, Mayo Clinic
Classification: Uncertain significance. Last evaluated: 2024-03-20. Review status: criteria provided, single submitter. Criteria: ACMG Guidelines, 2015. Collection method: clinical testing. Allele origin: germline. Observed: 1 variant allele.
Comment: BP4

Labcorp Genetics (formerly Invitae), Labcorp
Classification: Uncertain significance for Mucopolysaccharidosis, MPS-IV-B; GM1 gangliosidosis. Last evaluated: 2022-05-06. Review status: criteria provided, single submitter. Criteria: Invitae Variant Classification Sherloc (09022015). Collection method: clinical testing. Allele origin: germline.
Comment: This sequence change replaces aspartic acid, which is acidic and polar, with asparagine, which is neutral and polar, at codon 651 of the GLB1 protein (p.Asp651Asn). This variant is present in population databases (rs774771223, gnomAD 0.004%). This variant has not been reported in the literature in individuals affected with GLB1-related conditions. Advanced modeling of protein sequence and biophysical properties (such as structural, functional, and spatial information, amino acid conservation, physicochemical variation, residue mobility, and thermodynamic stability) performed at Invitae indicates that this missense variant is not expected to disrupt GLB1 protein function. In summary, the available evidence is currently insufficient to determine the role of this variant in disease. Therefore, it has been classified as a Variant of Uncertain Significance.